The following is an entry in ClinVar:

ClinVar aggregate classification (germline): Likely benign (1 of 4 stars; one submission).

Submission:

CeGaT Center for Human Genetics Tuebingen
Classification: Likely benign. Last evaluated: 2024-09-01. Review status: criteria provided, single submitter. Criteria: CeGaT Center For Human Genetics Tuebingen Variant Classification Criteria Version 2. Collection method: clinical testing. Allele origin: germline. Affected: yes. Observed: 1 variant allele.
Comment: SEZ6L2: PM2:Supporting, BP4, BP7

NM_001243332.2(SEZ6L2):c.2136C>T (p.Ala712=)

Gene: SEZ6L2 (seizure related 6 homolog like 2; minus strand). Cytogenetic location: 16p11.2.
Variant type: single nucleotide variant.
Coding change: c.2136C>T on transcript NM_001243332.2 (MANE Select); coding-DNA position 2136, C replaced by T.
Protein change: p.Ala712=; no amino-acid change (alanine 712 retained).
Molecular consequence: synonymous variant.
Genome position (GRCh38, 1-based): chr16:29,873,698, G>A on the plus strand (C>T on the coding strand, the complement: SEZ6L2 is on the minus strand). VCF-style: chr16-29873698-G-A. GRCh37 (hg19) VCF-style: chr16-29885019-G-A.
Other names: c.1926C>T, p.Ala642= (NM_001114099.3, NM_012410.4); c.1794C>T, p.Ala598= (NM_001114100.3, NM_001388363.1); c.2004C>T, p.Ala668= (NM_001243333.2); c.2136C>T, p.Ala712= (NM_001388364.1, NM_201575.4); c.1935C>T, p.Ala645= (NM_001388365.1).
Identifiers: ClinVar variation 3389682 (VCV003389682.14).